The following is an entry in ClinVar:

NM_025114.4(CEP290):c.5324A>G (p.Asn1775Ser)

Gene: CEP290 (centrosomal protein 290; minus strand). Cytogenetic location: 12q21.32.
Variant type: single nucleotide variant.
Coding change: c.5324A>G on transcript NM_025114.4 (MANE Select); coding-DNA position 5324, A replaced by G.
Protein change: p.Asn1775Ser; replaces asparagine 1775 with serine.
Molecular consequence: missense variant.
Genome position (GRCh38, 1-based): chr12:88,079,132, T>C on the plus strand (A>G on the coding strand, the complement: CEP290 is on the minus strand). VCF-style: chr12-88079132-T-C. GRCh37 (hg19) VCF-style: chr12-88472909-T-C.
Other names: short protein forms N1775S.
Identifiers: ClinVar variation 1443768 (VCV001443768.5), dbSNP rs527586777, ClinGen allele CA241154078.
Genomic context (GRCh38, chr12:88,079,132, plus strand): 5'-TAACACGTGTTGATGTTCACCTTTAGCTCTCTAGTATGTCGATCAACGATTTGTTGAACA[T>C]TGAGATGGGCCTCTTTTTGAGAAGTTGCAGAAATAATACGTTCTTCAGCAGCTGCTGTCA-3'
Protein context (NP_079390.3, residues 1765-1785): SATSQKEAHL[Asn1775Ser]VQQIVDRHTR

ClinVar aggregate classification (germline): Uncertain significance (1 of 4 stars; one submission).

Conditions:
Nephronophthisis. Also called: Juvenile Nephronophthisis. Identifiers: Orphanet 655, MedGen C0687120, MONDO:0019005, HP:0000090.
Meckel-Gruber syndrome. Also called: DYSENCEPHALIA SPLANCHNOCYSTICA; GRUBER SYNDROME; Dysencephalia splachnocystica. Identifiers: Orphanet 564, MedGen C0265215, MONDO:0018921.
Joubert syndrome. Also called: CEREBELLOPARENCHYMAL DISORDER IV; JOUBERT-BOLTSHAUSER SYNDROME; Familial aplasia of the vermis. Identifiers: Orphanet 475, MedGen C5979921, MONDO:0018772.

Allele frequency attached by ClinVar (database versions not stated): gnomAD exomes below 0.00001; TOPMed 0.00001.
gnomAD v4.1: 1 of 1,597,654 alleles (0.000063%); highest among the groups gnomAD compares: Non-Finnish European, 0.000085%; no homozygotes.

Submission:

Labcorp Genetics (formerly Invitae), Labcorp
Classification: Uncertain significance for Joubert syndrome; Meckel-Gruber syndrome; Nephronophthisis. Last evaluated: 2022-10-04. Review status: criteria provided, single submitter. Criteria: Invitae Variant Classification Sherloc (09022015). Collection method: clinical testing. Allele origin: germline.
Comment: This sequence change replaces asparagine, which is neutral and polar, with serine, which is neutral and polar, at codon 1775 of the CEP290 protein (p.Asn1775Ser). This variant is not present in population databases (gnomAD no frequency). This variant has not been reported in the literature in individuals affected with CEP290-related conditions. ClinVar contains an entry for this variant (Variation ID: 1443768). Advanced modeling of protein sequence and biophysical properties (such as structural, functional, and spatial information, amino acid conservation, physicochemical variation, residue mobility, and thermodynamic stability) performed at Invitae indicates that this missense variant is expected to disrupt CEP290 protein function. In summary, the available evidence is currently insufficient to determine the role of this variant in disease. Therefore, it has been classified as a Variant of Uncertain Significance.